The following is an entry in ClinVar:

ClinVar aggregate classification (germline): Uncertain significance (1 of 4 stars; one submission).

gnomAD v4.1: 39 of 1,613,030 alleles (0.0024%); highest among the groups gnomAD compares: African/African-American, 0.024%; no homozygotes.

Submission:

Labcorp Genetics (formerly Invitae), Labcorp
Classification: Uncertain significance. Last evaluated: 2023-07-17. Review status: criteria provided, single submitter. Criteria: Invitae Variant Classification Sherloc (09022015). Collection method: clinical testing. Allele origin: germline.
Comment: In summary, the available evidence is currently insufficient to determine the role of this variant in disease. Therefore, it has been classified as a Variant of Uncertain Significance. An algorithm developed to predict the effect of missense changes on protein structure and function (PolyPhen-2) suggests that this variant is likely to be tolerated. ClinVar contains an entry for this variant (Variation ID: 1496021). This variant has not been reported in the literature in individuals affected with CTSB-related conditions. This variant is present in population databases (rs542527240, gnomAD 0.01%). This sequence change replaces proline with serine at codon 25 of the CTSB protein (p.Pro25Ser). The proline residue is moderately conserved and there is a moderate physicochemical difference between proline and serine.

NM_001908.5(CTSB):c.73C>T (p.Pro25Ser)

Genes: CTSB (cathepsin B), LOC121268921 (Sharpr-MPRA regulatory region 10233). Cytogenetic location: 8p23.1.
Variant type: single nucleotide variant.
Coding change: c.73C>T on transcript NM_001908.5 (MANE Select); coding-DNA position 73, C replaced by T.
Protein change: p.Pro25Ser; replaces proline 25 with serine.
Molecular consequence: missense variant. On other transcripts: 5 prime UTR variant (1).
Genome position (GRCh38, 1-based): chr8:11,853,382, G>A on the plus strand (C>T on the coding strand, the complement: CTSB is on the minus strand). VCF-style: chr8-11853382-G-A. GRCh37 (hg19) VCF-style: chr8-11710891-G-A.
Other names: c.-181C>T (NM_001317237.2); c.73C>T, p.Pro25Ser (NM_001384714.1, NM_001384723.1, NM_001384724.1 and 8 more transcripts); short protein forms P25S.
Identifiers: ClinVar variation 1496021 (VCV001496021.6), dbSNP rs542527240, ClinGen allele CA4633207.